The following is an entry in ClinVar:

ClinVar aggregate classification (germline): Uncertain significance (1 of 4 stars; one submission).

Allele frequency attached by ClinVar (database versions not stated): TOPMed 0.00001.
gnomAD v4.1: 1 of 1,613,080 alleles (0.000062%); no homozygotes.

Submission:

Labcorp Genetics (formerly Invitae), Labcorp
Classification: Uncertain significance. Last evaluated: 2025-07-08. Review status: criteria provided, single submitter. Criteria: Invitae Variant Classification Sherloc (09022015). Collection method: clinical testing. Allele origin: germline.
Comment: This sequence change replaces valine, which is neutral and non-polar, with leucine, which is neutral and non-polar, at codon 48 of the FGF12 protein (p.Val48Leu). This variant is not present in population databases (gnomAD no frequency). This variant has not been reported in the literature in individuals affected with FGF12-related conditions. ClinVar contains an entry for this variant (Variation ID: 2918862). An algorithm developed to predict the effect of missense changes on protein structure and function (PolyPhen-2) suggests that this variant is likely to be tolerated. In summary, the available evidence is currently insufficient to determine the role of this variant in disease. Therefore, it has been classified as a Variant of Uncertain Significance.

NM_004113.6(FGF12):c.14-47544G>T

Gene: FGF12 (fibroblast growth factor 12; minus strand). Cytogenetic location: 3q28.
Variant type: single nucleotide variant.
Coding change: c.14-47544G>T on transcript NM_004113.6 (MANE Select); 47544 bases into the intron before coding-DNA position 14, G replaced by T.
Molecular consequence: intron variant. On other transcripts: missense variant (1).
Genome position (GRCh38, 1-based): chr3:192,408,082, C>A on the plus strand (G>T on the coding strand, the complement: FGF12 is on the minus strand). VCF-style: chr3-192408082-C-A. GRCh37 (hg19) VCF-style: chr3-192125871-C-A.
Other names: c.142G>T, p.Val48Leu (NM_021032.5); c.-59-47544G>T (NM_001377293.1); c.14-72618G>T (NM_001377292.1); c.-60+1430G>T (NM_001377294.1); short protein forms V48L.
Identifiers: ClinVar variation 2918862 (VCV002918862.3), dbSNP rs1311598739, ClinGen allele CA355866648.